The following is an entry in ClinVar:

ClinVar aggregate classification (germline): Likely pathogenic. Review status: criteria provided, multiple submitters, no conflicts (2 of 4 stars). 2 submissions from 2 submitters: Likely pathogenic (2). Last evaluated 2024-04-01.

Conditions:
Citrullinemia. Identifiers: Orphanet 187, MedGen C0175683, MONDO:0015991.
Citrullinemia, type II, adult-onset (CDAA). Also called: CITRIN DEFICIENCY, ADOLESCENT OR ADULT ONSET. Identifiers: Orphanet 247585, MedGen CN295299, MONDO:0011326, OMIM 603471.

Submissions (2):

Natera, Inc.
Classification: Likely pathogenic for Citrullinemia. Last evaluated: 2024-04-01. Review status: criteria provided, single submitter. Criteria: Natera Variant Classification Schema (03/2026). Collection method: clinical testing. Allele origin: germline.
Comment: The c.1817G>A variant in SLC25A13 is a nonsense variant predicted to introduce a stop codon at amino acid 606. This variant is expected to result in nonsense mediated decay, truncation, or a dysfunctional protein product. This variant is rare in the general population with a frequency below the threshold expected for the associated phenotype(s). Given the available evidence, this variant is classified as Likely Pathogenic.

Baylor Genetics
Classification: Likely pathogenic for Citrullinemia, type II, adult-onset. Last evaluated: 2023-12-26. Review status: criteria provided, single submitter. Criteria: ACMG Guidelines, 2015. Collection method: clinical testing. Allele origin: unknown.

NM_014251.3(SLC25A13):c.1817G>A (p.Trp606Ter)

Gene: SLC25A13 (solute carrier family 25 member 13; minus strand). Cytogenetic location: 7q21.3.
Variant type: single nucleotide variant.
Coding change: c.1817G>A on transcript NM_014251.3 (MANE Select); coding-DNA position 1817, G replaced by A.
Protein change: p.Trp606Ter; replaces tryptophan 606 with a stop codon.
Molecular consequence: nonsense. On other transcripts: non-coding transcript variant (1).
Genome position (GRCh38, 1-based): chr7:96,121,679, C>T on the plus strand (G>A on the coding strand, the complement: SLC25A13 is on the minus strand). VCF-style: chr7-96121679-C-T. GRCh37 (hg19) VCF-style: chr7-95750991-C-T.
Other names: c.1820G>A, p.Trp607Ter (NM_001160210.2); c.1817G>A (NM_014251.2); short protein forms W606*, W607*.
Identifiers: ClinVar variation 3240478 (VCV003240478.2), dbSNP rs2116382630.
Genomic context (GRCh38, chr7:96,121,679, plus strand): 5'-GCCAAAATTTAGCAGCAGATTTAGCATGATACTTACACTCCTCCAAAATCAATGTAGAAC[C>T]ATCGCTGTAGCAATTCGTAAGTCAGCAAAGTTACACCAAACTGGGGTGAGGATCGAAATA-3'